The following is an entry in ClinVar:

ClinVar aggregate classification (germline): Pathogenic/Likely pathogenic. Review status: criteria provided, multiple submitters, no conflicts (2 of 4 stars). 2 submissions from 2 submitters: Pathogenic (1); Likely pathogenic (1). Last evaluated 2023-12-20.

Conditions:
Propionic acidemia (PROP). Also called: GLYCINEMIA, KETOTIC; HYPERGLYCINEMIA WITH KETOACIDOSIS AND LEUKOPENIA; KETOTIC HYPERGLYCINEMIA. Identifiers: Orphanet 35, MedGen C0268579, MONDO:0011628, OMIM 606054, HP:0003571.

Submissions (2):

Baylor Genetics
Classification: Likely pathogenic for Propionic acidemia. Last evaluated: 2023-12-20. Review status: criteria provided, single submitter. Criteria: ACMG Guidelines, 2015. Collection method: clinical testing. Allele origin: unknown.

Myriad Genetics, Inc.
Classification: Pathogenic for Propionic acidemia. Last evaluated: 2023-09-10. Review status: criteria provided, single submitter. Criteria: Myriad Autosomal Dominant, Autosomal Recessive and X-Linked Classification Criteria (2023). Collection method: clinical testing. Allele origin: unknown.
Comment: NM_000282.3(PCCA):c.1055_1056delCA(T352Kfs*5) is expected to be pathogenic in the context of PCCA-related propionic acidemia. This variant is predicted to lead to an abnormal or absent protein product due to the creation of a premature termination codon in PCCA, a gene where loss-of-function variants are known to be pathogenic. Please note: this variant was assessed in the context of healthy population screening.

NM_000282.4(PCCA):c.1055_1056del (p.Thr352fs)

Gene: PCCA (propionyl-CoA carboxylase subunit alpha; plus strand). Cytogenetic location: 13q32.3.
Variant type: Deletion.
Coding change: c.1055_1056del on transcript NM_000282.4 (MANE Select); coding-DNA positions 1055 to 1056, 2 bases deleted (CA; older notation c.1055_1056delCA).
Protein change: p.Thr352fs; shifts the reading frame from threonine 352.
Molecular consequence: frameshift variant. On other transcripts: non-coding transcript variant (5).
Genome position (GRCh38, 1-based): chr13:100,273,336-100,273,337, CA deleted; deleting any 2 consecutive bases within chr13:100,273,335-100,273,337 gives the same sequence; the c. name uses the placement nearest the transcript's 3' end. VCF-style (leftmost placement, unchanged base first): chr13-100273334-TAC-T. GRCh37 (hg19) VCF-style: chr13-100925588-TAC-T.
Other names: c.977_978del, p.Thr326fs (NM_001127692.3, NM_001352607.2, NM_001352608.2); c.1055_1056del, p.Thr352fs (NM_001178004.2, NM_001352605.2, NM_001352606.2 and 1 more transcripts); c.110_111del, p.Thr37fs (NM_001352610.2, NM_001352611.2, NM_001352612.2); short protein forms T326fs, T352fs, T37fs.
Identifiers: ClinVar variation 3240036 (VCV003240036.2), dbSNP rs2547978077.